The following is an entry in ClinVar:

ClinVar aggregate classification (germline): Uncertain significance. Review status: criteria provided, multiple submitters, no conflicts (2 of 4 stars). 3 submissions from 3 submitters: Uncertain significance (3). Last evaluated 2026-01-15.

Conditions:
Cutis laxa, X-linked (OHS). Also called: EDS IX; Occipital horn syndrome. Identifiers: Orphanet 198, MedGen C0268353, MONDO:0010572, OMIM 304150.
X-linked distal spinal muscular atrophy type 3. Also called: SPINAL MUSCULAR ATROPHY, DISTAL, X-LINKED RECESSIVE; ATP7A-Related Distal Motor Neuropathy; NEURONOPATHY, DISTAL HEREDITARY MOTOR, X-LINKED; NEUROPATHY, DISTAL HEREDITARY MOTOR, X-LINKED. Identifiers: Orphanet 139557, MedGen C1845359, MONDO:0010338, OMIM 300489.
Menkes kinky-hair syndrome (MNK). Also called: Copper transport disease; Menkes Disease; Classic Menkes Disease. Identifiers: Orphanet 565, MedGen C0022716, MONDO:0010651, OMIM 309400.
Ehlers-Danlos syndrome (EDS). Identifiers: Orphanet 98249, MedGen C0013720, MONDO:0020066.

Allele frequency attached by ClinVar (database versions not stated): gnomAD exomes 0.00001.
gnomAD v4.1: 8 of 1,210,725 alleles (0.00066%); highest among the groups gnomAD compares: Admixed American, 0.0022%; no homozygotes.

Submissions (4):

Labcorp Genetics (formerly Invitae), Labcorp
Classification: Uncertain significance for X-linked distal spinal muscular atrophy type 3; Cutis laxa, X-linked; Menkes kinky-hair syndrome. Last evaluated: 2026-01-15. Review status: criteria provided, single submitter. Criteria: Invitae Variant Classification Sherloc (09022015). Collection method: clinical testing. Allele origin: germline.
Comment: This sequence change replaces arginine, which is basic and polar, with tryptophan, which is neutral and slightly polar, at codon 512 of the ATP7A protein (p.Arg512Trp). This variant is not present in population databases (gnomAD no frequency). This variant has not been reported in the literature in individuals affected with ATP7A-related conditions. ClinVar contains an entry for this variant (Variation ID: 389280). Invitae Evidence Modeling of protein sequence and biophysical properties (such as structural, functional, and spatial information, amino acid conservation, physicochemical variation, residue mobility, and thermodynamic stability) indicates that this missense variant is not expected to disrupt ATP7A protein function with a negative predictive value of 95%. Algorithms developed to predict the effect of sequence changes on RNA splicing suggest that this variant may disrupt the consensus splice site. In summary, the available evidence is currently insufficient to determine the role of this variant in disease. Therefore, it has been classified as a Variant of Uncertain Significance.

Genome Diagnostics Laboratory, The Hospital for Sick Children
Classification: Uncertain significance for Ehlers-Danlos syndrome. Last evaluated: 2022-02-28. Review status: criteria provided, single submitter. Criteria: ACMG Guidelines, 2015. Collection method: clinical testing. Allele origin: germline.

GeneDx
Classification: Uncertain significance. Last evaluated: 2016-09-23. Review status: criteria provided, single submitter. Criteria: GeneDx Variant Classification (06012015). Collection method: clinical testing. Allele origin: germline. Affected: yes.
Comment: The R512W variant in the ATP7A gene has not been reported previously as a pathogenic variant, nor as a benign variant, to our knowledge. The R512W variant was not observed in approximately 6500 individuals of European and African American ancestry in the NHLBI Exome Sequencing Project, indicating it is not a common benign variant in these populations. The R512W variant is a non-conservative amino acid substitution, which is likely to impact secondary protein structure as these residues differ in polarity, charge, size and/or other properties. This substitution occurs at a position that is conserved in mammals. In silico analysis predicts this variant is probably damaging to the protein structure/function. As an alternate mechanism, this sequence change is also predicted to create a new splice donor site in exon 5, upstream from the natural splice donor site, which remains unaffected. However, in the absence of RNA/functional studies, the actual effect of this sequence change in this individual is unknown. We interpret R512W as a variant of uncertain significance.

Dr. Peter K. Rogan Lab, Western University
No classification provided (evidence only). Condition: Melanoma. Review status: no classification provided. Collection method: in vitro. Allele origin: not applicable. Functional consequence: retained intron. Not counted in ClinVar's aggregate classification.

NM_000052.7(ATP7A):c.1534C>T (p.Arg512Trp)

Gene: ATP7A (ATPase copper transporting alpha; plus strand). Cytogenetic location: Xq21.1.
Variant type: single nucleotide variant.
Coding change: c.1534C>T on transcript NM_000052.7 (MANE Select); coding-DNA position 1534, C replaced by T.
Protein change: p.Arg512Trp; replaces arginine 512 with tryptophan.
Molecular consequence: missense variant.
Genome position (GRCh38, 1-based): chrX:77,998,675, C>T. VCF-style: chrX-77998675-C-T. GRCh37 (hg19) VCF-style: chrX-77254172-C-T.
Other names: c.1534C>T, p.Arg512Trp (NM_001282224.2); short protein forms R512W.
Identifiers: ClinVar variation 389280 (VCV000389280.11), dbSNP rs1030215501, ClinGen allele CA16608600.
Genomic context (GRCh38, chrX:77,998,675, plus strand): 5'-ATACAGGTCACTGGCATGACTTGCGCTTCCTGTGTAGCAAACATTGAACGGAATTTAAGG[C>T]GGGAAGAAGGTGAGACACTCTTGAAGCTTGTTATTTTATGTGCTAGTTTGGGAGCTCCAT-3'
Protein context (NP_000043.4, residues 502-522): CVANIERNLR[Arg512Trp]EEGIYSILVA